The following is an entry in ClinVar:

ClinVar aggregate classification (germline): Uncertain significance (1 of 4 stars; one submission).

Conditions:
Breast-ovarian cancer, familial, susceptibility to, 4. Identifiers: Orphanet 145, MedGen C3280345, MONDO:0013669, OMIM 614291.

Submission:

Labcorp Genetics (formerly Invitae), Labcorp
Classification: Uncertain significance for Breast-ovarian cancer, familial, susceptibility to, 4. Last evaluated: 2023-10-09. Review status: criteria provided, single submitter. Criteria: Invitae Variant Classification Sherloc (09022015). Collection method: clinical testing. Allele origin: germline.
Comment: This sequence change replaces glutamic acid, which is acidic and polar, with valine, which is neutral and non-polar, at codon 14 of the RAD51D protein (p.Glu14Val). This variant is not present in population databases (gnomAD no frequency). This variant has not been reported in the literature in individuals affected with RAD51D-related conditions. An algorithm developed to predict the effect of missense changes on protein structure and function (PolyPhen-2) suggests that this variant is likely to be tolerated. In summary, the available evidence is currently insufficient to determine the role of this variant in disease. Therefore, it has been classified as a Variant of Uncertain Significance.

NM_002878.4(RAD51D):c.41A>T (p.Glu14Val)

Genes: RAD51L3-RFFL (RAD51L3-RFFL readthrough; minus strand), RAD51D (RAD51 paralog D; minus strand). Cytogenetic location: 17q12.
Variant type: single nucleotide variant.
Coding change: c.41A>T on transcript NM_002878.4 (MANE Select); coding-DNA position 41, A replaced by T.
Protein change: p.Glu14Val; replaces glutamic acid 14 with valine.
Molecular consequence: missense variant. On other transcripts: non-coding transcript variant (2).
Genome position (GRCh38, 1-based): chr17:35,119,573, T>A on the plus strand (A>T on the coding strand, the complement: RAD51D is on the minus strand). VCF-style: chr17-35119573-T-A. GRCh37 (hg19) VCF-style: chr17-33446592-T-A.
Other names: c.41A>T, p.Glu14Val (NM_001142571.2, NM_133629.3); short protein forms E14V.
Identifiers: ClinVar variation 2767124 (VCV002767124.3), dbSNP rs2142480572, ClinGen allele CA399092468.